The following is an entry in ClinVar:

NM_020832.3(ZNF687):c.1804G>C (p.Val602Leu)

Gene: ZNF687 (zinc finger protein 687; plus strand). Cytogenetic location: 1q21.3.
Variant type: single nucleotide variant.
Coding change: c.1804G>C on transcript NM_020832.3 (MANE Select); coding-DNA position 1804, G replaced by C.
Protein change: p.Val602Leu; replaces valine 602 with leucine.
Molecular consequence: missense variant.
Genome position (GRCh38, 1-based): chr1:151,288,095, G>C. VCF-style: chr1-151288095-G-C. GRCh37 (hg19) VCF-style: chr1-151260571-G-C.
Other names: c.1804G>C, p.Val602Leu (NM_001304763.2, NM_001304764.2); short protein forms V602L.
Identifiers: ClinVar variation 2968186 (VCV002968186.3), dbSNP rs1256906045, ClinGen allele CA341946908.

ClinVar aggregate classification (germline): Uncertain significance (1 of 4 stars; one submission).

gnomAD v4.1: 4 of 1,613,898 alleles (0.00025%); highest among the groups gnomAD compares: African/African-American, 0.0027%; no homozygotes.

Submission:

Labcorp Genetics (formerly Invitae), Labcorp
Classification: Uncertain significance. Last evaluated: 2023-02-15. Review status: criteria provided, single submitter. Criteria: Invitae Variant Classification Sherloc (09022015). Collection method: clinical testing. Allele origin: germline.
Comment: This sequence change replaces valine, which is neutral and non-polar, with leucine, which is neutral and non-polar, at codon 602 of the ZNF687 protein (p.Val602Leu). This variant is not present in population databases (gnomAD no frequency). This variant has not been reported in the literature in individuals affected with ZNF687-related conditions. An algorithm developed to predict the effect of missense changes on protein structure and function (PolyPhen-2) suggests that this variant is likely to be disruptive. In summary, the available evidence is currently insufficient to determine the role of this variant in disease. Therefore, it has been classified as a Variant of Uncertain Significance.